The following is an entry in ClinVar:

ClinVar aggregate classification (germline): Uncertain significance (1 of 4 stars; one submission).

Conditions:
Congenital muscular dystrophy due to integrin alpha-7 deficiency. Also called: Congenital muscular dystrophy with integrin alpha-7 deficiency; MYOPATHY, CONGENITAL, DUE TO INTEGRIN ALPHA-7 DEFICIENCY; Muscular dystrophy, congenital, due to ITGA7 deficiency. Identifiers: Orphanet 34520, MedGen C2750786, MONDO:0013177, OMIM 613204.

Submission:

Labcorp Genetics (formerly Invitae), Labcorp
Classification: Uncertain significance for Congenital muscular dystrophy due to integrin alpha-7 deficiency. Last evaluated: 2022-04-23. Review status: criteria provided, single submitter. Criteria: Invitae Variant Classification Sherloc (09022015). Collection method: clinical testing. Allele origin: germline.
Comment: This sequence change replaces aspartic acid, which is acidic and polar, with glutamic acid, which is acidic and polar, at codon 573 of the ITGA7 protein (p.Asp573Glu). This variant is not present in population databases (gnomAD no frequency). This variant has not been reported in the literature in individuals affected with ITGA7-related conditions. Algorithms developed to predict the effect of missense changes on protein structure and function output the following: SIFT: "Tolerated"; PolyPhen-2: "Benign"; Align-GVGD: "Class C0". The glutamic acid amino acid residue is found in multiple mammalian species, which suggests that this missense change does not adversely affect protein function. In summary, the available evidence is currently insufficient to determine the role of this variant in disease. Therefore, it has been classified as a Variant of Uncertain Significance.

NM_002206.3(ITGA7):c.1719C>A (p.Asp573Glu)

Gene: ITGA7 (integrin subunit alpha 7; minus strand). Cytogenetic location: 12q13.2.
Variant type: single nucleotide variant.
Coding change: c.1719C>A on transcript NM_002206.3 (MANE Select); coding-DNA position 1719, C replaced by A.
Protein change: p.Asp573Glu; replaces aspartic acid 573 with glutamic acid.
Molecular consequence: missense variant.
Genome position (GRCh38, 1-based): chr12:55,696,917, G>T on the plus strand (C>A on the coding strand, the complement: ITGA7 is on the minus strand). VCF-style: chr12-55696917-G-T. GRCh37 (hg19) VCF-style: chr12-56090701-G-T.
Other names: c.1731C>A, p.Asp577Glu (NM_001144996.2); c.1440C>A, p.Asp480Glu (NM_001144997.2); c.1392C>A, p.Asp464Glu (NM_001367993.1); c.375C>A, p.Asp125Glu (NM_001367994.1); c.1701C>A, p.Asp567Glu (NM_001374465.1); c.1851C>A, p.Asp617Glu (NM_001410977.1); c.1713C>A, p.Asp571Glu (NM_001414029.1); c.1644C>A, p.Asp548Glu (NM_001414030.1); and 5 more; short protein forms D567E, D573E, D577E, D125E, D464E, D480E, D617E, D533E.
Identifiers: ClinVar variation 1412959 (VCV001412959.6), dbSNP rs530050340, ClinGen allele CA385187995.